The following is an entry in ClinVar:

NM_144643.4(SCLT1):c.1459C>T (p.Arg487Cys)

Gene: SCLT1 (sodium channel and clathrin linker 1; minus strand). Cytogenetic location: 4q28.2.
Variant type: single nucleotide variant.
Coding change: c.1459C>T on transcript NM_144643.4 (MANE Select); coding-DNA position 1459, C replaced by T.
Protein change: p.Arg487Cys; replaces arginine 487 with cysteine.
Molecular consequence: missense variant.
Genome position (GRCh38, 1-based): chr4:128,943,169, G>A on the plus strand (C>T on the coding strand, the complement: SCLT1 is on the minus strand). VCF-style: chr4-128943169-G-A. GRCh37 (hg19) VCF-style: chr4-129864324-G-A.
Other names: c.1459C>T (NM_144643.3); short protein forms R487C.
Identifiers: ClinVar variation 1989685 (VCV001989685.3), dbSNP rs748697531, ClinGen allele CA3079607.

ClinVar aggregate classification (germline): Uncertain significance. Review status: criteria provided, multiple submitters, no conflicts (2 of 4 stars). 3 submissions from 3 submitters: Uncertain significance (3). Last evaluated 2026-05-22.

Conditions:
SCLT1-related disorder. Also called: SCLT1-related condition.

Allele frequency attached by ClinVar (database versions not stated): ExAC 0.00001; gnomAD exomes 0.00001; gnomAD 0.00002; TOPMed 0.00002.
gnomAD v4.1: 20 of 1,607,566 alleles (0.0012%); highest among the groups gnomAD compares: Admixed American, 0.0034%; no homozygotes.

Submissions (3):

PreventionGenetics, part of Exact Sciences
Classification: Uncertain significance for SCLT1-related condition. Last evaluated: 2026-05-22. Review status: criteria provided, single submitter. Criteria: ACMG Guidelines, 2015. Collection method: clinical testing. Allele origin: germline.
Comment: The SCLT1 c.1459C>T variant is predicted to result in the amino acid substitution p.Arg487Cys. To our knowledge, this variant has not been reported in the literature. This variant is reported in 0.0058% of alleles in individuals of Latino descent in gnomAD. At this time, the clinical significance of this variant is uncertain due to the absence of conclusive functional and genetic evidence.

Ambry Genetics
Classification: Uncertain significance. Last evaluated: 2022-09-14. Review status: criteria provided, single submitter. Criteria: Ambry Variant Classification Scheme 2023. Collection method: clinical testing. Allele origin: germline.

Labcorp Genetics (formerly Invitae), Labcorp
Classification: Uncertain significance. Last evaluated: 2022-03-20. Review status: criteria provided, single submitter. Criteria: Invitae Variant Classification Sherloc (09022015). Collection method: clinical testing. Allele origin: germline.
Comment: This sequence change replaces arginine, which is basic and polar, with cysteine, which is neutral and slightly polar, at codon 487 of the SCLT1 protein (p.Arg487Cys). This variant is present in population databases (rs748697531, gnomAD 0.01%). This variant has not been reported in the literature in individuals affected with SCLT1-related conditions. Algorithms developed to predict the effect of missense changes on protein structure and function are either unavailable or do not agree on the potential impact of this missense change (SIFT: "Deleterious"; PolyPhen-2: "Benign"; Align-GVGD: "Class C25"). In summary, the available evidence is currently insufficient to determine the role of this variant in disease. Therefore, it has been classified as a Variant of Uncertain Significance.